The following is an entry in ClinVar:

NM_001267550.2(TTN):c.97263G>A (p.Trp32421Ter)

Genes: TTN-AS1 (TTN antisense RNA 1; plus strand), TTN (titin; minus strand). Cytogenetic location: 2q31.2.
Variant type: single nucleotide variant.
Coding change: c.97263G>A on transcript NM_001267550.2 (MANE Select); coding-DNA position 97263, G replaced by A.
Protein change: p.Trp32421Ter; replaces tryptophan 32421 with a stop codon.
Molecular consequence: nonsense.
Genome position (GRCh38, 1-based): chr2:178,542,493, C>T on the plus strand (G>A on the coding strand, the complement: TTN is on the minus strand). VCF-style: chr2-178542493-C-T. GRCh37 (hg19) VCF-style: chr2-179407220-C-T.
Other names: c.92340G>A, p.Trp30780Ter (NM_001256850.1); c.70068G>A, p.Trp23356Ter (NM_003319.4); c.89559G>A, p.Trp29853Ter (NM_133378.4); c.70443G>A, p.Trp23481Ter (NM_133432.3); c.70644G>A, p.Trp23548Ter (NM_133437.4); short protein forms W23481*, W23548*, W23356*, W29853*, W30780*, W32421*.
Identifiers: ClinVar variation 1479030 (VCV001479030.8), dbSNP rs2154142586, ClinGen allele CA349441080.

ClinVar aggregate classification (germline): Likely pathogenic (1 of 4 stars; one submission).

Conditions:
Dilated cardiomyopathy 1G (CMD1G). Identifiers: Orphanet 154, MedGen C1858763, MONDO:0011400, OMIM 604145.
Autosomal recessive limb-girdle muscular dystrophy type 2J (LGMDR10). Also called: Limb-girdle muscular dystrophy, type 2J; MUSCULAR DYSTROPHY, LIMB-GIRDLE, AUTOSOMAL RECESSIVE 10. Identifiers: Orphanet 140922, MedGen C1837342, MONDO:0012127, OMIM 608807.

Submission:

Labcorp Genetics (formerly Invitae), Labcorp
Classification: Likely pathogenic for Dilated cardiomyopathy 1G; Autosomal recessive limb-girdle muscular dystrophy type 2J. Last evaluated: 2021-03-26. Review status: criteria provided, single submitter. Criteria: Invitae Variant Classification Sherloc (09022015). Collection method: clinical testing. Allele origin: germline.
Comment: In summary, the currently available evidence indicates that the variant is pathogenic, but additional data are needed to prove that conclusively. Therefore, this variant has been classified as Likely Pathogenic. This variant is located in the A band of TTN (PMID: 25589632). Truncating variants in this region are significantly overrepresented in patients affected with dilated cardiomyopathy (PMID: 25589632). Truncating variants in this region have also been reported in individuals affected with autosomal recessive centronuclear myopathy (PMID: 23975875). This variant has not been reported in the literature in individuals with TTN-related conditions. This variant is not present in population databases (ExAC no frequency). This sequence change creates a premature translational stop signal (p.Trp32421*) in the TTN gene. While this is not anticipated to result in nonsense mediated decay, it is expected to create a truncated TTN protein.

Literature cited by the submitters: PubMed 25589632; PubMed 23975875.